The following is an entry in ClinVar:

NM_001943.5(DSG2):c.2939C>G (p.Ala980Gly)

Genes: DSG2 (desmoglein 2; plus strand), DSG2-AS1 (DSG2 antisense RNA 1; minus strand). Cytogenetic location: 18q12.1.
Variant type: single nucleotide variant.
Coding change: c.2939C>G on transcript NM_001943.5 (MANE Select); coding-DNA position 2939, C replaced by G.
Protein change: p.Ala980Gly; replaces alanine 980 with glycine.
Molecular consequence: missense variant.
Genome position (GRCh38, 1-based): chr18:31,546,325, C>G. VCF-style: chr18-31546325-C-G. GRCh37 (hg19) VCF-style: chr18-29126288-C-G.
Other names: short protein forms A980G.
Identifiers: ClinVar variation 4074319 (VCV004074319.1).

ClinVar aggregate classification (germline): Uncertain significance (1 of 4 stars; one submission).

Submission:

GeneDx
Classification: Uncertain significance. Last evaluated: 2025-02-11. Review status: criteria provided, single submitter. Criteria: GeneDx Variant Classification Process June 2021. Collection method: clinical testing. Allele origin: germline. Affected: yes.
Comment: Not observed at significant frequency in large population cohorts (gnomAD); In silico analysis indicates that this missense variant does not alter protein structure/function; Has not been previously published as pathogenic or benign to our knowledge